The following is an entry in ClinVar:

ClinVar aggregate classification (germline): Uncertain significance (1 of 4 stars; one submission).

Submission:

GeneDx
Classification: Uncertain significance. Last evaluated: 2023-03-10. Review status: criteria provided, single submitter. Criteria: GeneDx Variant Classification Process June 2021. Collection method: clinical testing. Allele origin: germline. Affected: yes.
Comment: Not observed at significant frequency in large population cohorts (gnomAD); In silico analysis supports that this missense variant has a deleterious effect on protein structure/function; Has not been previously published as pathogenic or benign to our knowledge

NM_002739.5(PRKCG):c.331C>G (p.Pro111Ala)

Gene: PRKCG (protein kinase C gamma; plus strand). Cytogenetic location: 19q13.42.
Variant type: single nucleotide variant.
Coding change: c.331C>G on transcript NM_002739.5 (MANE Select); coding-DNA position 331, C replaced by G.
Protein change: p.Pro111Ala; replaces proline 111 with alanine.
Molecular consequence: missense variant.
Genome position (GRCh38, 1-based): chr19:53,889,683, C>G. VCF-style: chr19-53889683-C-G. GRCh37 (hg19) VCF-style: chr19-54392937-C-G.
Other names: c.331C>G, p.Pro111Ala (NM_001316329.2); short protein forms P111A.
Identifiers: ClinVar variation 2579327 (VCV002579327.1), dbSNP rs2514553342, ClinGen allele CA407414181.